The following is an entry in ClinVar:

ClinVar aggregate classification (germline): Uncertain significance (1 of 4 stars; one submission).

Conditions:
Autosomal recessive severe congenital neutropenia due to G6PC3 deficiency. Also called: G6PC3 Deficiency; NEUTROPENIA, SEVERE CONGENITAL, 4, AUTOSOMAL RECESSIVE. Identifiers: Orphanet 331176, MedGen C2751630, MONDO:0012930, OMIM 612541.

Allele frequency attached by ClinVar (database versions not stated): ExAC 0.00004; TOPMed below 0.00001; gnomAD 0.00001; gnomAD exomes 0.00002 and 0.00001.
gnomAD v4.1: 17 of 1,614,018 alleles (0.0011%); highest among the groups gnomAD compares: Non-Finnish European, 0.0014%; no homozygotes.

Submissions (3):

Labcorp Genetics (formerly Invitae), Labcorp
Classification: Uncertain significance for Autosomal recessive severe congenital neutropenia due to G6PC3 deficiency. Last evaluated: 2021-03-29. Review status: criteria provided, single submitter. Criteria: Invitae Variant Classification Sherloc (09022015). Collection method: clinical testing. Allele origin: germline.
Comment: This sequence change falls in intron 4 of the G6PC3 gene. It does not directly change the encoded amino acid sequence of the G6PC3 protein. It affects a nucleotide within the consensus splice site of the intron. This variant is present in population databases (rs752548565, ExAC 0.01%). This variant has not been reported in the literature in individuals with G6PC3-related conditions. Nucleotide substitutions within the consensus splice site are a relatively common cause of aberrant splicing (PMID: 17576681, 9536098). Algorithms developed to predict the effect of sequence changes on RNA splicing suggest that this variant may disrupt the consensus splice site, but this prediction has not been confirmed by published transcriptional studies. In summary, the available evidence is currently insufficient to determine the role of this variant in disease. Therefore, it has been classified as a Variant of Uncertain Significance.

Dr. Peter K. Rogan Lab, Western University
No classification provided (evidence only). Condition: Uterine corpus endometrial carcinoma. Review status: no classification provided. Collection method: in vitro. Allele origin: not applicable. Functional consequence: skipped exon, retained intron. Not counted in ClinVar's aggregate classification.

Dr. Peter K. Rogan Lab, Western University
No classification provided (evidence only). Condition: Uterine corpus endometrial carcinoma. Review status: no classification provided. Collection method: in vitro. Allele origin: not applicable. Functional consequence: retained intron. Not counted in ClinVar's aggregate classification.

Literature cited by the submitters: PubMed 17576681 (cited by Labcorp Genetics (formerly Invitae), Labcorp); PubMed 9536098 (cited by Labcorp Genetics (formerly Invitae), Labcorp).

NM_138387.4(G6PC3):c.536-3T>G

Gene: G6PC3 (glucose-6-phosphatase catalytic subunit 3; plus strand). Cytogenetic location: 17q21.31.
Variant type: single nucleotide variant.
Coding change: c.536-3T>G on transcript NM_138387.4 (MANE Select); 3 bases into the intron before coding-DNA position 536, T replaced by G.
Molecular consequence: intron variant.
Genome position (GRCh38, 1-based): chr17:44,075,307, T>G. VCF-style: chr17-44075307-T-G. GRCh37 (hg19) VCF-style: chr17-42152675-T-G.
Other names: c.191-3T>G (NM_001384168.1, NM_001384165.1, NM_001384166.1 and 1 more transcripts); c.417-3T>G (NM_001319945.2).
Identifiers: ClinVar variation 1388559 (VCV001388559.4), dbSNP rs752548565, ClinGen allele CA8596081.